The following is an entry in ClinVar:

ClinVar aggregate classification (germline): Pathogenic/Likely pathogenic. Review status: criteria provided, multiple submitters, no conflicts (2 of 4 stars). 4 submissions from 4 submitters: Pathogenic (2); Likely pathogenic (2). Last evaluated 2022-11-03.

Conditions:
Hereditary cancer-predisposing syndrome. Also called: Neoplastic Syndromes, Hereditary; Hereditary neoplastic syndrome; Tumor predisposition; Hereditary Cancer Syndrome. Identifiers: Orphanet 140162, MedGen C0027672, MeSH D009386, MONDO:0015356.
Hereditary breast ovarian cancer syndrome. Also called: Hereditary breast and ovarian cancer; Hereditary breast and ovarian cancer syndrome (HBOC); Breast and ovarian cancer; BRCA1- and BRCA2-Associated Hereditary Breast and Ovarian Cancer; Hereditary breast and/or ovarian cancer syndrome; Hereditary breast and ovarian cancer syndrome. Identifiers: Orphanet 145, MedGen C0677776, MeSH D061325, MONDO:0003582. Disease mechanism: loss of function.
Familial cancer of breast. Also called: hereditary breast carcinoma; Hereditary breast cancer; BREAST CANCER, FAMILIAL. Identifiers: Orphanet 227535, MedGen C0346153, MONDO:0016419, OMIM 114480. Disease mechanism: loss of function.

Submissions (4):

Baylor Genetics
Classification: Likely pathogenic for Familial cancer of breast. Last evaluated: 2022-11-03. Review status: criteria provided, single submitter. Criteria: ACMG Guidelines, 2015. Collection method: clinical testing. Allele origin: unknown.

Women's Health and Genetics/Laboratory Corporation of America, LabCorp
Classification: Likely pathogenic for Hereditary breast ovarian cancer syndrome. Last evaluated: 2021-05-13. Review status: criteria provided, single submitter. Criteria: LabCorp Variant Classification Summary - May 2015. Collection method: clinical testing. Allele origin: germline.
Comment: Variant summary: BRCA2 c.8900_8901delCA (p.Thr2967AsnfsX50) results in a premature termination codon, predicted to cause a truncation of the encoded protein or absence of the protein due to nonsense mediated decay, which are commonly known mechanisms for disease. Truncations downstream of this position have been classified as pathogenic by our laboratory. The variant was absent in 249904 control chromosomes. To our knowledge, no occurrence of c.8900_8901delCA in individuals affected with Hereditary Breast And Ovarian Cancer Syndrome and no experimental evidence demonstrating its impact on protein function have been reported. Two clinical diagnostic laboratories have submitted clinical-significance assessments for this variant to ClinVar after 2014 without evidence for independent evaluation. Both laboratories classified the variant as pathogenic. Based on the evidence outlined above, the variant was classified as likely pathogenic.

ARUP Laboratories, Molecular Genetics and Genomics, ARUP Laboratories
Classification: Pathogenic. Last evaluated: 2018-03-06. Review status: criteria provided, single submitter. Criteria: ARUP Molecular Germline Variant Investigation Process. Collection method: clinical testing. Allele origin: germline.
Comment: The BRCA2 c.8900_8901delCA; p.Thr2967fs variant, to our knowledge, is not reported in the medical literature or in gene specific databases. It is also absent from general population databases (1000 Genomes Project, Exome Variant Server, and Genome Aggregation Database), indicating it is not a common polymorphism. A frameshift variant located 2 positions downstream (c.8904delC; p.Val2969fs, reported as 9132delC) has been reported in individuals and families affected with breast cancer before the age of 50 and is considered pathogenic (Frank 1998). The p.Thr2967fs variant is a frameshift resulting from the deletion of 2 nucleotides and is predicted to result in a truncated protein or mRNA subject to nonsense-mediated decay. Based on the above information, this variant is considered pathogenic. References: Frank T et al. Sequence analysis of BRCA1 and BRCA2: correlation of mutations with family history and ovarian cancer risk. J Clin Oncol. 1998 Jul;16(7):2417-25.

Ambry Genetics
Classification: Pathogenic for Hereditary cancer-predisposing syndrome. Last evaluated: 2018-01-09. Review status: criteria provided, single submitter. Criteria: Ambry Variant Classification Scheme 2023. Collection method: clinical testing. Allele origin: germline.
Comment: The c.8900_8901delCA pathogenic mutation, located in coding exon 21 of the BRCA2 gene, results from a deletion of two nucleotides at nucleotide positions 8900 to 8901, causing a translational frameshift with a predicted alternate stop codon (p.T2967Nfs*50). This alteration is expected to result in loss of function by premature protein truncation or nonsense-mediated mRNA decay. As such, this alteration is interpreted as a disease-causing mutation.

NM_000059.4(BRCA2):c.8900_8901del (p.Thr2967fs)

Gene: BRCA2 (BRCA2 DNA repair associated; plus strand). Cytogenetic location: 13q13.1.
Variant type: Microsatellite.
Coding change: c.8900_8901del on transcript NM_000059.4 (MANE Select); coding-DNA positions 8900 to 8901, 2 bases deleted (CA; older notation c.8900_8901delCA).
Protein change: p.Thr2967fs; shifts the reading frame from threonine 2967.
Molecular consequence: frameshift variant.
Genome position (GRCh38, 1-based): chr13:32,379,462-32,379,463, CA deleted; deleting any 2 consecutive bases within chr13:32,379,460-32,379,463 gives the same sequence; the c. name uses the placement nearest the transcript's 3' end. VCF-style (leftmost placement, unchanged base first): chr13-32379459-TCA-T. GRCh37 (hg19) VCF-style: chr13-32953596-TCA-T.
Other names: c.8900_8901delCA (NM_000059.3); short protein forms T2967fs.
Identifiers: ClinVar variation 618546 (VCV000618546.13), dbSNP rs1593936840, ClinGen allele CA913190917.
Genomic context (GRCh38, chr13:32,379,459, plus strand): 5'-TGGAAATTAGGAAGGCCATGGAATCTGCTGAACAAAAGGAACAAGGTTTATCAAGGGATG[TCA>T]CAACCGTGTGGAAGTTGCGTATTGTAAGCTATTCAAAAAAAGAAAAAGATTCAGGTAAGT-3'